The following is an entry in ClinVar:

ClinVar aggregate classification (germline): Uncertain significance (1 of 4 stars; one submission).

Conditions:
Gastrointestinal stromal tumor. Also called: Gastrointestinal stroma tumor; Gastrointestinal stromal tumor, somatic. Identifiers: Orphanet 44890, MedGen C0238198, MeSH D046152, MONDO:0011719, OMIM 606764, HP:0100723.

Submission:

Labcorp Genetics (formerly Invitae), Labcorp
Classification: Uncertain significance for Gastrointestinal stromal tumor. Last evaluated: 2016-11-22. Review status: criteria provided, single submitter. Criteria: Invitae Variant Classification Sherloc (09022015). Collection method: clinical testing. Allele origin: germline.
Comment: This sequence change replaces arginine with lysine at codon 750 of the KIT protein (p.Arg750Lys). The arginine residue is moderately conserved and there is a small physicochemical difference between arginine and lysine. In summary, this variant is a novel missense change that is not predicted to affect protein function. There is no indication that it causes disease, but the available evidence is currently insufficient to prove that conclusively. Therefore, it has been classified as a Variant of Uncertain Significance. Algorithms developed to predict the effect of missense changes on protein structure and function (SIFT, PolyPhen-2, Align-GVGD) all suggest that this variant is likely to be tolerated, but these predictions have not been confirmed by published functional studies. This variant is not present in population databases (ExAC no frequency) and has not been reported in the literature in individuals with a KIT-related disease.

NM_000222.3(KIT):c.2249G>A (p.Arg750Lys)

Gene: KIT (KIT proto-oncogene, receptor tyrosine kinase; plus strand). Cytogenetic location: 4q12.
Variant type: single nucleotide variant.
Coding change: c.2249G>A on transcript NM_000222.3 (MANE Select); coding-DNA position 2249, G replaced by A.
Protein change: p.Arg750Lys; replaces arginine 750 with lysine.
Molecular consequence: missense variant.
Genome position (GRCh38, 1-based): chr4:54,731,886, G>A. VCF-style: chr4-54731886-G-A. GRCh37 (hg19) VCF-style: chr4-55598052-G-A.
Other names: c.2237G>A, p.Arg746Lys (NM_001093772.2, NM_001385292.1); c.2252G>A, p.Arg751Lys (NM_001385284.1); c.2246G>A, p.Arg749Lys (NM_001385285.1); c.2234G>A, p.Arg745Lys (NM_001385286.1); c.2240G>A, p.Arg747Lys (NM_001385288.1); c.2249G>A, p.Arg750Lys (NM_001385290.1); short protein forms R750K, R746K, R745K, R747K, R749K, R751K.
Identifiers: ClinVar variation 409748 (VCV000409748.9), dbSNP rs1060502554, ClinGen allele CA16611513.
Genomic context (GRCh38, chr4:54,731,886, plus strand): 5'-CCTTTATGGTTGTAATTGCTAAGAAAAATCCTCTCTTCCTCACAGGCTCATACATAGAAA[G>A]AGATGTGACTCCCGCCATCATGGAGGATGACGAGTTGGCCCTAGACTTAGAAGACTTGCT-3'
Protein context (NP_000213.1, residues 740-760): RSVRIGSYIE[Arg750Lys]DVTPAIMEDD